The following is an entry in ClinVar:

ClinVar aggregate classification (germline): Uncertain significance. Review status: criteria provided, multiple submitters, no conflicts (2 of 4 stars). 2 submissions from 2 submitters: Uncertain significance (2). Last evaluated 2024-06-03.

Allele frequency attached by ClinVar (database versions not stated): gnomAD exomes 0.00001; ExAC 0.00002; gnomAD 0.00003; TOPMed 0.00003; 1000 Genomes Project 0.00020; 1000 Genomes Project 30x 0.00031.
gnomAD v4.1: 15 of 1,614,154 alleles (0.00093%); highest among the groups gnomAD compares: Admixed American, 0.005%; no homozygotes.

Submissions (2):

Ambry Genetics
Classification: Uncertain significance. Last evaluated: 2024-06-03. Review status: criteria provided, single submitter. Criteria: Ambry Variant Classification Scheme 2023. Collection method: clinical testing. Allele origin: germline.

Labcorp Genetics (formerly Invitae), Labcorp
Classification: Uncertain significance. Last evaluated: 2023-03-27. Review status: criteria provided, single submitter. Criteria: Invitae Variant Classification Sherloc (09022015). Collection method: clinical testing. Allele origin: germline.
Comment: This variant is present in population databases (rs560172935, gnomAD 0.009%). This sequence change replaces methionine, which is neutral and non-polar, with isoleucine, which is neutral and non-polar, at codon 870 of the IGSF10 protein (p.Met870Ile). This variant has not been reported in the literature in individuals affected with IGSF10-related conditions. In summary, the available evidence is currently insufficient to determine the role of this variant in disease. Therefore, it has been classified as a Variant of Uncertain Significance. Algorithms developed to predict the effect of missense changes on protein structure and function output the following: SIFT: "Not Available"; PolyPhen-2: "Benign"; Align-GVGD: "Not Available". The isoleucine amino acid residue is found in multiple mammalian species, which suggests that this missense change does not adversely affect protein function.

NM_178822.5(IGSF10):c.2610G>A (p.Met870Ile)

Gene: IGSF10 (immunoglobulin superfamily member 10; minus strand). Cytogenetic location: 3q25.1.
Variant type: single nucleotide variant.
Coding change: c.2610G>A on transcript NM_178822.5 (MANE Select); coding-DNA position 2610, G replaced by A.
Protein change: p.Met870Ile; replaces methionine 870 with isoleucine.
Molecular consequence: missense variant.
Genome position (GRCh38, 1-based): chr3:151,447,371, C>T on the plus strand (G>A on the coding strand, the complement: IGSF10 is on the minus strand). VCF-style: chr3-151447371-C-T. GRCh37 (hg19) VCF-style: chr3-151165159-C-T.
Other names: c.2610G>A (NM_178822.4); c.2610G>A, p.Met870Ile (NM_001385060.1, NM_001385061.1, NM_001385062.1 and 1 more transcripts); short protein forms M870I.
Identifiers: ClinVar variation 2722771 (VCV002722771.4), dbSNP rs560172935, ClinGen allele CA2670321.
Genomic context (GRCh38, chr3:151,447,371, plus strand): 5'-TGAATGTTGATTGGTTGTGCCTTGTATTTGGCTTGACATGGTTGGGTTTATATTCTTTGA[C>T]ATGGCTGTAGTTTTAATAGCAGTAGACAGTTTGAAATCTGTGGGTTCTTCAGGTGGTAGT-3'
Protein context (NP_849144.2, residues 860-880): KLSTAIKTTA[Met870Ile]SKNINPTMSS